The following is an entry in ClinVar:

ClinVar aggregate classification (germline): Uncertain significance (1 of 4 stars; one submission).

Conditions:
Fucosidosis. Also called: ALPHA-L-FUCOSIDASE DEFICIENCY. Identifiers: Orphanet 349, MedGen C0016788, MONDO:0009254, OMIM 230000.

Submission:

Labcorp Genetics (formerly Invitae), Labcorp
Classification: Uncertain significance for Fucosidosis. Last evaluated: 2022-05-12. Review status: criteria provided, single submitter. Criteria: Invitae Variant Classification Sherloc (09022015). Collection method: clinical testing. Allele origin: germline.
Comment: In summary, the available evidence is currently insufficient to determine the role of this variant in disease. Therefore, it has been classified as a Variant of Uncertain Significance. Algorithms developed to predict the effect of missense changes on protein structure and function are either unavailable or do not agree on the potential impact of this missense change (SIFT: "Tolerated"; PolyPhen-2: "Possibly Damaging"; Align-GVGD: "Class C0"). This variant has not been reported in the literature in individuals affected with FUCA1-related conditions. This variant is not present in population databases (gnomAD no frequency). This sequence change replaces tyrosine, which is neutral and polar, with phenylalanine, which is neutral and non-polar, at codon 89 of the FUCA1 protein (p.Tyr89Phe).

NM_000147.5(FUCA1):c.266A>T (p.Tyr89Phe)

Gene: FUCA1 (alpha-L-fucosidase 1; minus strand). Cytogenetic location: 1p36.11.
Variant type: single nucleotide variant.
Coding change: c.266A>T on transcript NM_000147.5 (MANE Select); coding-DNA position 266, A replaced by T.
Protein change: p.Tyr89Phe; replaces tyrosine 89 with phenylalanine.
Molecular consequence: missense variant. On other transcripts: non-coding transcript variant (4).
Genome position (GRCh38, 1-based): chr1:23,868,021, T>A on the plus strand (A>T on the coding strand, the complement: FUCA1 is on the minus strand). VCF-style: chr1-23868021-T-A. GRCh37 (hg19) VCF-style: chr1-24194511-T-A.
Other names: short protein forms Y89F.
Identifiers: ClinVar variation 2130301 (VCV002130301.4), dbSNP rs2521760153, ClinGen allele CA339009346.
Genomic context (GRCh38, chr1:23,868,021, plus strand): 5'-TGCGGTCCGAAGTCGGCGTAGCTGAAGCCGGGCGGGTAGTTGTCGCGCATGAAGCGCTGG[T>A]ACTGCGGCCGCCCCTCGCCCTGCCAGTGCCACCAGAACCACTCGCTGCCCCAGGCGGGCA-3'
Protein context (NP_000138.2, residues 79-99): WHWQGEGRPQ[Tyr89Phe]QRFMRDNYPP